The following is an entry in ClinVar:

ClinVar aggregate classification (germline): Likely pathogenic. Review status: reviewed by expert panel (3 of 4 stars). 2 submissions from 2 submitters: Likely pathogenic (1). 1 of the submissions does not count toward it. Last evaluated 2026-02-18.

Conditions:
Open-angle glaucoma. Identifiers: MedGen C0017612, MONDO:0005338, HP:0012108.
Glaucoma 1, open angle, A (GLC1A). Also called: Glaucoma, Dominant (Juvenile Onset). Identifiers: Orphanet 98977, MedGen C1842028, MONDO:0007664, OMIM 137750.

Submissions (2):

ClinGen Glaucoma Variant Curation Expert Panel
Classification: Likely pathogenic for Open-angle glaucoma. Last evaluated: 2026-02-18. Review status: reviewed by expert panel. Criteria: ClinGen Glaucoma ACMG Specifications V2.0.0 Approved. Collection method: curation. Allele origin: germline. Inheritance: Autosomal dominant inheritance.
Comment: The c.1430T>G variant in MYOC is a missense variant predicted to cause substitution of Isoleucine by Serine at amino acid 477 (p.Ile477Ser). This variant was not found in any genetic ancestry group of gnomAD (v4.1.0), meeting the ≤ 0.0001 threshold set for PM2_Supporting in a genetic ancestry group of at least 10,000 alleles. The REVEL score = 0.646, which was within the 0.644-0.772 range for PP3, predicting a damaging effect on MYOC function. The Ile477Ser protein had increased instability compared to wild type myocilin protein in these studies (PMIDs: 20334347, 21612213, 23129764). The assays met the OddsPath threshold for PS3_Moderate (> 4.3), indicating that this variant did impact protein function. This protein has also been assessed in these other studies (PMIDs: 10545602, 11152659, 14688426, 16297911), however, the same level of evidence was not met. 20 segregations in 1 family, with juvenile or primary open angle glaucoma (JOAG or POAG), have been reported (PMIDs: 9328473), which fulfilled PP1_Moderate (≥5 meioses in ≥1 family, but not the ≥7 meioses in >1 family for the strong criterion). Only 1 proband with JOAG had been reported (PMID: 9328473), not meeting the ≥ 2 probands threshold required to meet PS4_Supporting. In summary, this variant met the criteria to receive a score of 6 and to be classified as likely pathogenic (likely pathogenic classification range 6 to 9, adapted from PMID: 32720330) for juvenile open angle glaucoma based on the ACMG/AMP criteria met, as specified by the ClinGen Glaucoma VCEP (v2.0.0, 5 Dec 2024): PS3_Moderate, PP1_Moderate, PP3, PM2_Supporting.

OMIM
Classification: Pathogenic for GLAUCOMA 1, OPEN ANGLE, A. Last evaluated: 1997-11-01. Review status: no assertion criteria provided. Collection method: literature only. Allele origin: germline. Not counted in ClinVar's aggregate classification.

Literature cited by the submitters: PubMed 14688426 (cited by ClinGen Glaucoma Variant Curation Expert Panel); PubMed 21612213 (cited by ClinGen Glaucoma Variant Curation Expert Panel); PubMed 23129764 (cited by ClinGen Glaucoma Variant Curation Expert Panel); PubMed 20334347 (cited by ClinGen Glaucoma Variant Curation Expert Panel); PubMed 9328473 (cited by OMIM).

NM_000261.2(MYOC):c.1430T>G (p.Ile477Ser)

Gene: MYOC (myocilin; minus strand). Cytogenetic location: 1q24.3.
Variant type: single nucleotide variant.
Coding change: c.1430T>G on transcript NM_000261.2 (MANE Select); coding-DNA position 1430, T replaced by G.
Protein change: p.Ile477Ser; replaces isoleucine 477 with serine.
Molecular consequence: missense variant.
Genome position (GRCh38, 1-based): chr1:171,636,010, A>C on the plus strand (T>G on the coding strand, the complement: MYOC is on the minus strand). VCF-style: chr1-171636010-A-C. GRCh37 (hg19) VCF-style: chr1-171605150-A-C.
Other names: NM_000261.2(MYOC):c.1430T>G; short protein forms I477S.
Identifiers: ClinVar variation 7950 (VCV000007950.5), dbSNP rs74315331, ClinGen allele CA119174.